The following is an entry in ClinVar:

ClinVar aggregate classification (germline): Uncertain significance (1 of 4 stars; one submission).

Conditions:
Colorectal cancer, hereditary nonpolyposis, type 7. Identifiers: Orphanet 144, MedGen C1858380, MONDO:0013725, OMIM 614385.

Allele frequency attached by ClinVar (database versions not stated): gnomAD 0.00001; TOPMed 0.00001; ESP Exome Variant Server 0.00008.
gnomAD v4.1: 2 of 1,614,000 alleles (0.00012%); highest among the groups gnomAD compares: Non-Finnish European, 0.00017%; no homozygotes.

Submission:

Labcorp Genetics (formerly Invitae), Labcorp
Classification: Uncertain significance for Colorectal cancer, hereditary nonpolyposis, type 7. Last evaluated: 2025-03-27. Review status: criteria provided, single submitter. Criteria: Invitae Variant Classification Sherloc (09022015). Collection method: clinical testing. Allele origin: germline.
Comment: This sequence change replaces glycine, which is neutral and non-polar, with arginine, which is basic and polar, at codon 882 of the MLH3 protein (p.Gly882Arg). This variant is present in population databases (rs372175165, gnomAD 0.0009%). This variant has not been reported in the literature in individuals affected with MLH3-related conditions. ClinVar contains an entry for this variant (Variation ID: 2415485). An algorithm developed to predict the effect of missense changes on protein structure and function (PolyPhen-2) suggests that this variant is likely to be disruptive. In summary, the available evidence is currently insufficient to determine the role of this variant in disease. Therefore, it has been classified as a Variant of Uncertain Significance.

NM_001040108.2(MLH3):c.2644G>C (p.Gly882Arg)

Gene: MLH3 (mutL homolog 3; minus strand). Cytogenetic location: 14q24.3.
Variant type: single nucleotide variant.
Coding change: c.2644G>C on transcript NM_001040108.2 (MANE Select); coding-DNA position 2644, G replaced by C.
Protein change: p.Gly882Arg; replaces glycine 882 with arginine.
Molecular consequence: missense variant.
Genome position (GRCh38, 1-based): chr14:75,047,012, C>G on the plus strand (G>C on the coding strand, the complement: MLH3 is on the minus strand). VCF-style: chr14-75047012-C-G. GRCh37 (hg19) VCF-style: chr14-75513715-C-G.
Other names: c.2644G>C, p.Gly882Arg (NM_014381.3); short protein forms G882R.
Identifiers: ClinVar variation 2415485 (VCV002415485.6), dbSNP rs372175165, ClinGen allele CA7275666.